The following is an entry in ClinVar:

NM_015909.4(NBAS):c.4610T>C (p.Leu1537Ser)

Gene: NBAS (NBAS subunit of NRZ tethering complex; minus strand). Cytogenetic location: 2p24.3.
Variant type: single nucleotide variant.
Coding change: c.4610T>C on transcript NM_015909.4 (MANE Select); coding-DNA position 4610, T replaced by C.
Protein change: p.Leu1537Ser; replaces leucine 1537 with serine.
Molecular consequence: missense variant. On other transcripts: non-coding transcript variant (1).
Genome position (GRCh38, 1-based): chr2:15,309,220, A>G on the plus strand (T>C on the coding strand, the complement: NBAS is on the minus strand). VCF-style: chr2-15309220-A-G. GRCh37 (hg19) VCF-style: chr2-15449344-A-G.
Other names: short protein forms L1537S.
Identifiers: ClinVar variation 1378386 (VCV001378386.5), dbSNP rs1671169465, ClinGen allele CA345893716.
Genomic context (GRCh38, chr2:15,309,220, plus strand): 5'-GGCAAACTTACTTGTGGTAAGGCAAGAAGGTAAGCAAGAGCCAAGGTCATGTCATTTGGC[A>G]AGGCTTCACTTGCTAGTTGCAAGAGAACTGAATGCAGAAAAAGAAACATTATTTTACTGA-3'
Protein context (NP_056993.2, residues 1527-1547): EVLLQLASEA[Leu1537Ser]PNDMTLALAY

ClinVar aggregate classification (germline): Uncertain significance (1 of 4 stars; one submission).

Allele frequency attached by ClinVar (database versions not stated): TOPMed below 0.00001; gnomAD exomes 0.00001.
gnomAD v4.1: 10 of 1,612,424 alleles (0.00062%); highest among the groups gnomAD compares: Non-Finnish European, 0.00085%; no homozygotes.

Submission:

Labcorp Genetics (formerly Invitae), Labcorp
Classification: Uncertain significance. Last evaluated: 2021-08-31. Review status: criteria provided, single submitter. Criteria: Invitae Variant Classification Sherloc (09022015). Collection method: clinical testing. Allele origin: germline.
Comment: This sequence change replaces leucine with serine at codon 1537 of the NBAS protein (p.Leu1537Ser). The leucine residue is highly conserved and there is a large physicochemical difference between leucine and serine. This variant is not present in population databases (ExAC no frequency). This variant has not been reported in the literature in individuals affected with NBAS-related conditions. Algorithms developed to predict the effect of missense changes on protein structure and function (SIFT, PolyPhen-2, Align-GVGD) all suggest that this variant is likely to be disruptive. In summary, the available evidence is currently insufficient to determine the role of this variant in disease. Therefore, it has been classified as a Variant of Uncertain Significance.